The following is an entry in ClinVar:

NM_000059.4(BRCA2):c.3500T>C (p.Ile1167Thr)

Gene: BRCA2 (BRCA2 DNA repair associated; plus strand). Cytogenetic location: 13q13.1.
Variant type: single nucleotide variant.
Coding change: c.3500T>C on transcript NM_000059.4 (MANE Select); coding-DNA position 3500, T replaced by C.
Protein change: p.Ile1167Thr; replaces isoleucine 1167 with threonine.
Molecular consequence: missense variant.
Genome position (GRCh38, 1-based): chr13:32,337,855, T>C. VCF-style: chr13-32337855-T-C. GRCh37 (hg19) VCF-style: chr13-32911992-T-C.
Other names: short protein forms I1167T.
Identifiers: ClinVar variation 823858 (VCV000823858.15), dbSNP rs1593899750, ClinGen allele CA387776940.

ClinVar aggregate classification (germline): Conflicting classifications of pathogenicity. Review status: criteria provided, conflicting classifications (1 of 4 stars). 3 submissions from 3 submitters: Uncertain significance (1); Likely benign (2). Last evaluated 2023-03-23.

Conditions:
Hereditary breast ovarian cancer syndrome. Also called: Hereditary breast and ovarian cancer syndrome; Hereditary breast and ovarian cancer; Hereditary breast and ovarian cancer syndrome (HBOC); Breast and ovarian cancer; Hereditary breast and/or ovarian cancer syndrome; BRCA1- and BRCA2-Associated Hereditary Breast and Ovarian Cancer. Identifiers: Orphanet 145, MedGen C0677776, MeSH D061325, MONDO:0003582. Disease mechanism: loss of function.
Hereditary cancer-predisposing syndrome. Also called: Neoplastic Syndromes, Hereditary; Tumor predisposition; Hereditary neoplastic syndrome; Hereditary Cancer Syndrome. Identifiers: Orphanet 140162, MedGen C0027672, MeSH D009386, MONDO:0015356.

Allele frequency attached by ClinVar (database versions not stated): gnomAD exomes below 0.00001.
gnomAD v4.1: 1 of 1,614,086 alleles (0.000062%); highest among the groups gnomAD compares: South Asian, 0.0011%; no homozygotes.

Submissions (3):

University of Washington Department of Laboratory Medicine, University of Washington
Classification: Likely benign for Hereditary cancer-predisposing syndrome. Last evaluated: 2023-03-23. Review status: criteria provided, single submitter. Criteria: Dines et al. (Genet Med. 2020). Collection method: curation. Allele origin: germline.
Comment: Missense variant in a coldspot region where missense variants are very unlikely to be pathogenic (PMID:31911673).

BRCA2 exon 11 coldspot. Reclassification based on statistical prior probability.

Labcorp Genetics (formerly Invitae), Labcorp
Classification: Uncertain significance for Hereditary breast ovarian cancer syndrome. Last evaluated: 2019-11-21. Review status: criteria provided, single submitter. Criteria: Invitae Variant Classification Sherloc (09022015). Collection method: clinical testing. Allele origin: germline.
Comment: This variant has not been reported in the literature in individuals with BRCA2-related conditions. This variant is not present in population databases (ExAC no frequency). This sequence change replaces isoleucine with threonine at codon 1167 of the BRCA2 protein (p.Ile1167Thr). The isoleucine residue is weakly conserved and there is a moderate physicochemical difference between isoleucine and threonine. Algorithms developed to predict the effect of missense changes on protein structure and function output the following: SIFT: "Tolerated"; PolyPhen-2: "Benign"; Align-GVGD: "Class C0". The threonine amino acid residue is found in multiple mammalian species, suggesting that this missense change does not adversely affect protein function. These predictions have not been confirmed by published functional studies and their clinical significance is uncertain. In summary, the available evidence is currently insufficient to determine the role of this variant in disease. Therefore, it has been classified as a Variant of Uncertain Significance.

Ambry Genetics
Classification: Likely benign for Hereditary cancer-predisposing syndrome. Last evaluated: 2019-08-23. Review status: criteria provided, single submitter. Criteria: Ambry Variant Classification Scheme 2023. Collection method: clinical testing. Allele origin: germline.